The following is an entry in ClinVar:

ClinVar aggregate classification (germline): Uncertain significance (1 of 4 stars; one submission).

Submission:

Labcorp Genetics (formerly Invitae), Labcorp
Classification: Uncertain significance. Last evaluated: 2022-07-14. Review status: criteria provided, single submitter. Criteria: Invitae Variant Classification Sherloc (09022015). Collection method: clinical testing. Allele origin: germline.
Comment: This variant has not been reported in the literature in individuals affected with DHX38-related conditions. Algorithms developed to predict the effect of missense changes on protein structure and function are either unavailable or do not agree on the potential impact of this missense change (SIFT: "Deleterious"; PolyPhen-2: "Benign"; Align-GVGD: "Class C0"). In summary, the available evidence is currently insufficient to determine the role of this variant in disease. Therefore, it has been classified as a Variant of Uncertain Significance. This variant is not present in population databases (gnomAD no frequency). This sequence change replaces glutamic acid, which is acidic and polar, with glutamine, which is neutral and polar, at codon 311 of the DHX38 protein (p.Glu311Gln).

NM_014003.4(DHX38):c.931G>C (p.Glu311Gln)

Gene: DHX38 (DEAH-box helicase 38; plus strand). Cytogenetic location: 16q22.2.
Variant type: single nucleotide variant.
Coding change: c.931G>C on transcript NM_014003.4 (MANE Select); coding-DNA position 931, G replaced by C.
Protein change: p.Glu311Gln; replaces glutamic acid 311 with glutamine.
Molecular consequence: missense variant.
Genome position (GRCh38, 1-based): chr16:72,099,251, G>C. VCF-style: chr16-72099251-G-C. GRCh37 (hg19) VCF-style: chr16-72133150-G-C.
Other names: short protein forms E311Q.
Identifiers: ClinVar variation 2016965 (VCV002016965.4), dbSNP rs2042064332, ClinGen allele CA396703848.